The following is an entry in ClinVar:

ClinVar aggregate classification (germline): Conflicting classifications of pathogenicity. Review status: criteria provided, conflicting classifications (1 of 4 stars). 5 submissions from 5 submitters: Likely pathogenic (4); Uncertain significance (1). Last evaluated 2026-04-04.

Conditions:
LOXL3-related disorder. Also called: LOXL3-related condition.
Myopia 28, autosomal recessive (MYP28). Identifiers: MedGen C5676935, MONDO:0030697, OMIM 619781.
LOXL3-related Stickler syndrome, autosomal recessive.

Submissions (5):

PreventionGenetics, part of Exact Sciences
Classification: Likely pathogenic for LOXL3-related condition. Last evaluated: 2026-04-04. Review status: criteria provided, single submitter. Criteria: ACMG Guidelines, 2015. Collection method: clinical testing. Allele origin: germline.
Comment: The LOXL3 c.754delG variant is predicted to result in a frameshift and premature protein termination (p.Glu252Argfs*28). To our knowledge, this variant has not been reported in the literature. This variant is reported in 0.0058% of alleles in individuals of Latino descent in gnomAD. Frameshift variants in LOXL3 are expected to be pathogenic. This variant is interpreted as likely pathogenic.

First Genomix Gene Laboratory, Genetic Diagnostics Department
Classification: Likely pathogenic for Myopia 28, autosomal recessive. Last evaluated: 2025-11-13. Review status: criteria provided, single submitter. Criteria: ACMG Guidelines, 2015. Collection method: clinical testing. Allele origin: germline. Inheritance: Autosomal recessive inheritance. Affected: no. Observed: 1 variant allele.

HudsonAlpha Institute for Biotechnology
Classification: Likely pathogenic for Myopia 28, autosomal recessive. Last evaluated: 2025-02-05. Review status: criteria provided, single submitter. Criteria: ACMG Guidelines, 2015. Collection method: research. Allele origin: unknown. Affected: yes. Observed: 1 variant allele. Study: AGHI-WGS-HudsonAlpha.

3billion
Classification: Likely pathogenic for LOXL3-related Stickler syndrome, autosomal recessive. Last evaluated: 2024-06-20. Review status: criteria provided, single submitter. Criteria: ACMG Guidelines, 2015. Collection method: clinical testing. Allele origin: germline. Affected: yes.
Comment: The variant is observed at an extremely low frequency in the gnomAD v4.0.0 dataset (total allele frequency: <0.001%). Predicted Consequence/Location: Frameshift: predicted to result in a loss or disruption of normal protein function through nonsense-mediated decay (NMD) or protein truncation. Multiple pathogenic variants are reported downstream of the variant. Therefore, this variant is classified as VUS according to the recommendation of ACMG/AMP guideline.

Labcorp Genetics (formerly Invitae), Labcorp
Classification: Uncertain significance. Last evaluated: 2024-04-17. Review status: criteria provided, single submitter. Criteria: Invitae Variant Classification Sherloc (09022015). Collection method: clinical testing. Allele origin: germline.
Comment: This sequence change creates a premature translational stop signal (p.Glu252Argfs*28) in the LOXL3 gene. It is expected to result in an absent or disrupted protein product. However, the current clinical and genetic evidence is not sufficient to establish whether loss-of-function variants in LOXL3 cause disease. This variant is present in population databases (no rsID available, gnomAD 0.006%). This variant has not been reported in the literature in individuals affected with LOXL3-related conditions. ClinVar contains an entry for this variant (Variation ID: 1433365). In summary, the available evidence is currently insufficient to determine the role of this variant in disease. Therefore, it has been classified as a Variant of Uncertain Significance.

NM_032603.5(LOXL3):c.754del (p.Glu252fs)

Gene: LOXL3 (lysyl oxidase like 3; minus strand). Cytogenetic location: 2p13.1.
Variant type: Deletion.
Coding change: c.754del on transcript NM_032603.5 (MANE Select); coding-DNA position 754, one base deleted (G; older notation c.754delG).
Protein change: p.Glu252fs; shifts the reading frame from glutamic acid 252.
Molecular consequence: frameshift variant. On other transcripts: intron variant (2).
Genome position (GRCh38, 1-based): chr2:74,536,867, C deleted on the plus strand (G on the coding strand, the reverse complement: LOXL3 is on the minus strand); the first of 2 consecutive C bases (chr2:74,536,867-74,536,868); deleting either gives the same sequence. VCF-style (leftmost placement, unchanged base first): chr2-74536866-TC-T. GRCh37 (hg19) VCF-style: chr2-74763993-TC-T.
Other names: c.754delG (NM_032603.5, NM_032603.4); c.478-396del (NM_001289164.3); c.-171-396del (NM_001289165.2); short protein forms E252fs.
Identifiers: ClinVar variation 1433365 (VCV001433365.9), dbSNP rs1231646114, ClinGen allele CA533725195.
Genomic context (GRCh38, chr2:74,536,866, plus strand): 5'-GGGCACCTGGCGGTGTCATTGGCACGATAGAACTCCAGGGAACAGAGGGAGAGGTGGGCC[TC>T]CGTGCCCACGCACGCCACCCCATGCAGACCAAAGGAGTGTTGCTGCCGTTGGGCTAGCAG-3'